The following is an entry in ClinVar:

NM_002332.3(LRP1):c.2773G>A (p.Asp925Asn)

Gene: LRP1 (LDL receptor related protein 1; plus strand). Cytogenetic location: 12q13.3.
Variant type: single nucleotide variant.
Coding change: c.2773G>A on transcript NM_002332.3 (MANE Select); coding-DNA position 2773, G replaced by A.
Protein change: p.Asp925Asn; replaces aspartic acid 925 with asparagine.
Molecular consequence: missense variant.
Genome position (GRCh38, 1-based): chr12:57,166,185, G>A. VCF-style: chr12-57166185-G-A. GRCh37 (hg19) VCF-style: chr12-57559968-G-A.
Other names: short protein forms D925N.
Identifiers: ClinVar variation 4976679 (VCV004976679.1).
Genomic context (GRCh38, chr12:57,166,185, plus strand): 5'-AACCGGTGCATCCCCAACCGCTGGCTCTGCGACGGGGACAATGACTGTGGGAACAGTGAA[G>A]ATGAGTCCAATGCCACTTGTTCAGGTGTGGAGCGGGGCTCAGATCACACGAGGCACCCCT-3'
Protein context (NP_002323.2, residues 915-935): DGDNDCGNSE[Asp925Asn]ESNATCSART

ClinVar aggregate classification (germline): Uncertain significance (1 of 4 stars; one submission).

Submission:

GeneDx
Classification: Uncertain significance. Last evaluated: 2024-06-27. Review status: criteria provided, single submitter. Criteria: GeneDx Variant Classification Process June 2021. Collection method: clinical testing. Allele origin: germline.
Comment: Not observed at significant frequency in large population cohorts (gnomAD); In silico analysis supports that this missense variant has a deleterious effect on protein structure/function; Has not been previously published as pathogenic or benign to our knowledge; Variants in candidate genes are classified as variants of uncertain significance in accordance with ACMG guidelines (PMID: 25741868); This variant is associated with the following publications: (PMID: 25741868)